The following is an entry in ClinVar:

ClinVar aggregate classification (germline): Uncertain significance (1 of 4 stars; one submission).

gnomAD v4.1: 2 of 1,613,968 alleles (0.00012%); highest among the groups gnomAD compares: Non-Finnish European, 0.00017%; no homozygotes.

Submission:

Labcorp Genetics (formerly Invitae), Labcorp
Classification: Uncertain significance. Last evaluated: 2025-10-14. Review status: criteria provided, single submitter. Criteria: Invitae Variant Classification Sherloc (09022015). Collection method: clinical testing. Allele origin: germline.
Comment: This sequence change replaces glutamine, which is neutral and polar, with arginine, which is basic and polar, at codon 3227 of the FRAS1 protein (p.Gln3227Arg). This variant is not present in population databases (gnomAD no frequency). This variant has not been reported in the literature in individuals affected with FRAS1-related conditions. Invitae Evidence Modeling of protein sequence and biophysical properties (such as structural, functional, and spatial information, amino acid conservation, physicochemical variation, residue mobility, and thermodynamic stability) indicates that this missense variant is not expected to disrupt FRAS1 protein function with a negative predictive value of 80%. In summary, the available evidence is currently insufficient to determine the role of this variant in disease. Therefore, it has been classified as a Variant of Uncertain Significance.

NM_025074.7(FRAS1):c.9680A>G (p.Gln3227Arg)

Gene: FRAS1 (Fraser extracellular matrix complex subunit 1; plus strand). Cytogenetic location: 4q21.21.
Variant type: single nucleotide variant.
Coding change: c.9680A>G on transcript NM_025074.7 (MANE Select); coding-DNA position 9680, A replaced by G.
Protein change: p.Gln3227Arg; replaces glutamine 3227 with arginine.
Molecular consequence: missense variant.
Genome position (GRCh38, 1-based): chr4:78,508,906, A>G. VCF-style: chr4-78508906-A-G. GRCh37 (hg19) VCF-style: chr4-79430060-A-G.
Other names: short protein forms Q3227R.
Identifiers: ClinVar variation 4773375 (VCV004773375.1).